The following is an entry in ClinVar:

NM_006662.3(SRCAP):c.1872T>C (p.Ile624=)

Gene: SRCAP (Snf2 related CREBBP activator protein; plus strand). Cytogenetic location: 16p11.2.
Variant type: single nucleotide variant.
Coding change: c.1872T>C on transcript NM_006662.3 (MANE Select); coding-DNA position 1872, T replaced by C.
Protein change: p.Ile624=; no amino-acid change (isoleucine 624 retained).
Molecular consequence: synonymous variant.
Genome position (GRCh38, 1-based): chr16:30,712,318, T>C. VCF-style: chr16-30712318-T-C. GRCh37 (hg19) VCF-style: chr16-30723639-T-C.
Identifiers: ClinVar variation 4823184 (VCV004823184.4).

ClinVar aggregate classification (germline): Likely benign (1 of 4 stars; one submission).

gnomAD v4.1: 6 of 1,611,640 alleles (0.00037%); highest among the groups gnomAD compares: Admixed American, 0.0084%; no homozygotes.

Submission:

CeGaT Center for Human Genetics Tuebingen
Classification: Likely benign. Last evaluated: 2026-02-01. Review status: criteria provided, single submitter. Criteria: CeGaT Center For Human Genetics Tuebingen Variant Classification Criteria Version 2. Collection method: clinical testing. Allele origin: germline. Affected: yes. Observed: 1 variant allele.
Comment: SRCAP: BP4, BP7